The following is an entry in ClinVar:

ClinVar aggregate classification (germline): Pathogenic. Review status: criteria provided, multiple submitters, no conflicts (2 of 4 stars). 2 submissions from 2 submitters: Pathogenic (2). Last evaluated 2025-04-09.

Conditions:
Trichohepatoenteric syndrome. Also called: THE SYNDROME; Syndromic diarrhea; Tricho-hepato-enteric syndrome. Identifiers: Orphanet 84064, MedGen C1857276, MONDO:0009105.

Allele frequency attached by ClinVar (database versions not stated): TOPMed below 0.00001; gnomAD 0.00001; gnomAD exomes 0.00003; ExAC 0.00007.
gnomAD v4.1: 49 of 1,600,522 alleles (0.0031%); highest among the groups gnomAD compares: South Asian, 0.052%; no homozygotes.

Submissions (2):

Women's Health and Genetics/Laboratory Corporation of America, LabCorp
Classification: Pathogenic for Trichohepatoenteric syndrome. Last evaluated: 2025-04-09. Review status: criteria provided, single submitter. Criteria: LabCorp Variant Classification Summary - May 2015. Collection method: clinical testing. Allele origin: germline.
Comment: Variant summary: SKIC3 c.2921-2A>G is located in a canonical splice-site and is predicted to affect mRNA splicing resulting in a significantly altered protein due to either exon skipping, shortening, or inclusion of intronic material. Variants that disrupt the consensus splice site are a relatively common cause of aberrant splicing and loss of SKIC3 function. Several computational tools predict a significant impact on normal splicing: Four predict the variant abolishes a 3' acceptor site. Two predict the variant creates a 3' acceptor site. However, these predictions have yet to be confirmed by functional studies. The frequency of this variant in the general population could not be determined as the technology used for large population databases (ExAC, gnomAD, ESP, 1000G) cannot detect variants of this type. c.2921-2A>G has been reported in the literature in two homozygous individuals affected with Trichohepatoenteric Syndrome (Bozzetti_2013, Fabre_2013, Lee_2024). These data indicate that the variant is very likely to be associated with disease. To our knowledge, no experimental evidence demonstrating an impact on protein function has been reported. The following publications have been ascertained in the context of this evaluation (PMID: 23974064, 23302111, 37753667). ClinVar contains an entry for this variant (Variation ID: 2734749). Based on the evidence outlined above, the variant was classified as pathogenic.

Labcorp Genetics (formerly Invitae), Labcorp
Classification: Pathogenic. Last evaluated: 2024-03-15. Review status: criteria provided, single submitter. Criteria: Invitae Variant Classification Sherloc (09022015). Collection method: clinical testing. Allele origin: germline.
Comment: This sequence change affects an acceptor splice site in intron 28 of the TTC37 gene. It is expected to disrupt RNA splicing. Variants that disrupt the donor or acceptor splice site typically lead to a loss of protein function (PMID: 16199547), and loss-of-function variants in TTC37 are known to be pathogenic (PMID: 20176027, 21120949). This variant is present in population databases (rs750568866, gnomAD 0.05%). Disruption of this splice site has been observed in individuals with trichohepatoenteric syndrome (PMID: 23302111, 23974064, 29527791). Algorithms developed to predict the effect of sequence changes on RNA splicing suggest that this variant may disrupt the consensus splice site. For these reasons, this variant has been classified as Pathogenic.

Literature cited by the submitters: PubMed 23974064 (cited by Women's Health and Genetics/Laboratory Corporation of America, LabCorp and Labcorp Genetics (formerly Invitae), Labcorp); PubMed 23302111 (cited by Women's Health and Genetics/Laboratory Corporation of America, LabCorp and Labcorp Genetics (formerly Invitae), Labcorp); PubMed 37753667 (cited by Women's Health and Genetics/Laboratory Corporation of America, LabCorp); PubMed 16199547 (cited by Labcorp Genetics (formerly Invitae), Labcorp); PubMed 20176027 (cited by Labcorp Genetics (formerly Invitae), Labcorp); PubMed 21120949 (cited by Labcorp Genetics (formerly Invitae), Labcorp); PubMed 29527791 (cited by Labcorp Genetics (formerly Invitae), Labcorp).

NM_014639.4(SKIC3):c.2921-2A>G

Gene: SKIC3 (SKI3 subunit of superkiller complex; minus strand). Cytogenetic location: 5q15.
Variant type: single nucleotide variant.
Coding change: c.2921-2A>G on transcript NM_014639.4 (MANE Select); the canonical splice acceptor site of the intron before coding-DNA position 2921, A replaced by G.
Molecular consequence: splice acceptor variant.
Genome position (GRCh38, 1-based): chr5:95,509,689, T>C on the plus strand (A>G on the coding strand, the complement: SKIC3 is on the minus strand). VCF-style: chr5-95509689-T-C. GRCh37 (hg19) VCF-style: chr5-94845393-T-C.
Identifiers: ClinVar variation 2734749 (VCV002734749.5), dbSNP rs750568866, ClinGen allele CA3346910.